The following is an entry in ClinVar:

NM_001849.4(COL6A2):c.1669C>T (p.Pro557Ser)

Gene: COL6A2 (collagen type VI alpha 2 chain; plus strand). Cytogenetic location: 21q22.3.
Variant type: single nucleotide variant.
Coding change: c.1669C>T on transcript NM_001849.4 (MANE Select); coding-DNA position 1669, C replaced by T.
Protein change: p.Pro557Ser; replaces proline 557 with serine.
Molecular consequence: missense variant.
Genome position (GRCh38, 1-based): chr21:46,122,935, C>T. VCF-style: chr21-46122935-C-T. GRCh37 (hg19) VCF-style: chr21-47542849-C-T.
Other names: c.1669C>T, p.Pro557Ser (NM_058174.3, NM_058175.3); short protein forms P557S.
Identifiers: ClinVar variation 1377641 (VCV001377641.6), dbSNP rs2078589816, ClinGen allele CA410534919.

ClinVar aggregate classification (germline): Uncertain significance (1 of 4 stars; one submission).

Conditions:
Bethlem myopathy 1A. Also called: Bethlem myopathy 1; Bethlem Muscular Dystrophy; MYOPATHY, BENIGN CONGENITAL, WITH CONTRACTURES. Identifiers: Orphanet 610, MedGen CN029274, MONDO:0024530, OMIM 158810.

Allele frequency attached by ClinVar (database versions not stated): TOPMed below 0.00001; gnomAD exomes below 0.00001.
gnomAD v4.1: 1 of 1,613,156 alleles (0.000062%); highest among the groups gnomAD compares: Non-Finnish European, 0.000085%; no homozygotes.

Submission:

Labcorp Genetics (formerly Invitae), Labcorp
Classification: Uncertain significance for Bethlem myopathy 1A. Last evaluated: 2023-07-17. Review status: criteria provided, single submitter. Criteria: Invitae Variant Classification Sherloc (09022015). Collection method: clinical testing. Allele origin: germline.
Comment: In summary, the available evidence is currently insufficient to determine the role of this variant in disease. Therefore, it has been classified as a Variant of Uncertain Significance. An algorithm developed to predict the effect of missense changes on protein structure and function (PolyPhen-2) suggests that this variant is likely to be disruptive. ClinVar contains an entry for this variant (Variation ID: 1377641). This variant has not been reported in the literature in individuals affected with COL6A2-related conditions. This variant is not present in population databases (gnomAD no frequency). This sequence change replaces proline, which is neutral and non-polar, with serine, which is neutral and polar, at codon 557 of the COL6A2 protein (p.Pro557Ser).